The following is an entry in ClinVar:

ClinVar aggregate classification (germline): Pathogenic/Likely pathogenic. Review status: criteria provided, multiple submitters, no conflicts (2 of 4 stars). 3 submissions from 3 submitters: Pathogenic (2); Likely pathogenic (1). Last evaluated 2024-04-30.

Conditions:
Medium-chain acyl-coenzyme A dehydrogenase deficiency (ACADMD). Also called: MCAD Deficiency; ACADM DEFICIENCY; MCADD; Medium chain acyl-CoA dehydrogenase deficiency; CARNITINE DEFICIENCY SECONDARY TO MEDIUM-CHAIN ACYL-CoA DEHYDROGENASE DEFICIENCY; MCADH DEFICIENCY. Identifiers: Orphanet 42, MedGen C0220710, MONDO:0008721, OMIM 201450.

Allele frequency attached by ClinVar (database versions not stated): gnomAD exomes below 0.00001.
gnomAD v4.1: 1 of 1,614,044 alleles (0.000062%); highest among the groups gnomAD compares: East Asian, 0.0022%; no homozygotes.

Submissions (3):

Natera, Inc.
Classification: Likely pathogenic for Medium Chain Acyl-CoA Dehydrogenase Deficiency. Last evaluated: 2024-04-30. Review status: criteria provided, single submitter. Criteria: Natera Variant Classification Schema (03/2026). Collection method: clinical testing. Allele origin: germline.
Comment: The c.742A>G variant in ACADM is a missense variant predicted to cause substitution of arginine to glycine at amino acid 248. This variant is rare in the general population with a frequency below the threshold expected for the associated phenotype(s). This variant has been observed in one or more individuals affected with the associated recessive disease, as either homozygous or compound heterozygous with a second variant (PMID: 15832312, 22848008). This variant has been identified in one or more affected individual with a phenotype highly consistent with the associated gene (PMID: 15832312, 22848008). Functional studies show that this variant may disrupt protein function (PMID: 33580884, 19224950). Given the available evidence, this variant is classified as Likely Pathogenic.

Labcorp Genetics (formerly Invitae), Labcorp
Classification: Pathogenic for Medium-chain acyl-coenzyme A dehydrogenase deficiency. Last evaluated: 2023-07-21. Review status: criteria provided, single submitter. Criteria: Invitae Variant Classification Sherloc (09022015). Collection method: clinical testing. Allele origin: germline.
Comment: This sequence change replaces arginine, which is basic and polar, with glycine, which is neutral and non-polar, at codon 248 of the ACADM protein (p.Arg248Gly). This variant is not present in population databases (gnomAD no frequency). This missense change has been observed in individual(s) with Medium-chain acyl-coenzyme A dehydrogenase deficiency and/or medium-chain acyl-coenzyme A dehydrogenase deficiency (PMID: 15832312). This variant is also known as R223G. ClinVar contains an entry for this variant (Variation ID: 226089). Advanced modeling of protein sequence and biophysical properties (such as structural, functional, and spatial information, amino acid conservation, physicochemical variation, residue mobility, and thermodynamic stability) has been performed at Invitae for this missense variant, however the output from this modeling did not meet the statistical confidence thresholds required to predict the impact of this variant on ACADM protein function. Experimental studies have shown that this missense change affects ACADM function (PMID: 19224950). This variant disrupts the p.Arg248 amino acid residue in ACADM. Other variant(s) that disrupt this residue have been determined to be pathogenic (Invitae). This suggests that this residue is clinically significant, and that variants that disrupt this residue are likely to be disease-causing. For these reasons, this variant has been classified as Pathogenic.

ARUP Laboratories, Molecular Genetics and Genomics, ARUP Laboratories
Classification: Pathogenic for Medium-chain acyl-coenzyme A dehydrogenase deficiency. Last evaluated: 2015-02-20. Review status: criteria provided, single submitter. Criteria: ACMG Guidelines, 2015. Collection method: clinical testing. Allele origin: germline. Inheritance: Autosomal recessive inheritance. Observed: 1 heterozygote.

Literature cited by the submitters: PubMed 15832312 (cited by Natera, Inc. and Labcorp Genetics (formerly Invitae), Labcorp); PubMed 22848008 (cited by Natera, Inc.); PubMed 33580884 (cited by Natera, Inc.); PubMed 19224950 (cited by Natera, Inc. and Labcorp Genetics (formerly Invitae), Labcorp).

NM_000016.6(ACADM):c.742A>G (p.Arg248Gly)

Gene: ACADM (acyl-CoA dehydrogenase medium chain; plus strand). Cytogenetic location: 1p31.1.
Variant type: single nucleotide variant.
Coding change: c.742A>G on transcript NM_000016.6 (MANE Select); coding-DNA position 742, A replaced by G.
Protein change: p.Arg248Gly; replaces arginine 248 with glycine.
Molecular consequence: missense variant.
Genome position (GRCh38, 1-based): chr1:75,749,452, A>G. VCF-style: chr1-75749452-A-G. GRCh37 (hg19) VCF-style: chr1-76215137-A-G.
Other names: c.754A>G, p.Arg252Gly (NM_001127328.3); c.634A>G, p.Arg212Gly (NM_001286042.2); c.841A>G, p.Arg281Gly (NM_001286043.2); c.175A>G, p.Arg59Gly (NM_001286044.2); c.742A>G (NM_000016.5); short protein forms R248G, R252G, R212G, R281G, R59G.
Identifiers: ClinVar variation 226089 (VCV000226089.15), dbSNP rs875989867, ClinGen allele CA10576237.
Genomic context (GRCh38, chr1:75,749,452, plus strand): 5'-CTTAAAATATATCAATTTTCTTATTAGGAATTAAACATGGGCCAGCGATGTTCAGATACT[A>G]GAGGAATTGTCTTCGAAGATGTGAAAGTGCCTAAAGAAAATGTTTTAATTGGTGACGGAG-3'
Protein context (NP_000007.1, residues 238-258): LNMGQRCSDT[Arg248Gly]GIVFEDVKVP